The following is an entry in ClinVar:

NM_170784.3(MKKS):c.1291A>G (p.Ser431Gly)

Gene: MKKS (MKKS centrosomal shuttling protein; minus strand). Cytogenetic location: 20p12.2.
Variant type: single nucleotide variant.
Coding change: c.1291A>G on transcript NM_170784.3 (MANE Select); coding-DNA position 1291, A replaced by G.
Protein change: p.Ser431Gly; replaces serine 431 with glycine.
Molecular consequence: missense variant. On other transcripts: non-coding transcript variant (1).
Genome position (GRCh38, 1-based): chr20:10,405,669, T>C on the plus strand (A>G on the coding strand, the complement: MKKS is on the minus strand). VCF-style: chr20-10405669-T-C. GRCh37 (hg19) VCF-style: chr20-10386317-T-C.
Other names: c.1291A>G, p.Ser431Gly (NM_018848.3); short protein forms S431G.
Identifiers: ClinVar variation 1058970 (VCV001058970.6), dbSNP rs993196591, ClinGen allele CA311318957.
Genomic context (GRCh38, chr20:10,405,669, plus strand): 5'-AAAATGCTTCAGCAATTAATTGAAGTTCTGTTTGAGTACATTCATCATCTTTGAGAATGC[T>C]TTCTGGGTCGTTGTGAGTCTAAAGAGTAATAAAAACATTGAAAACACATACAAAGCAATT-3'
Protein context (NP_740754.1, residues 421-441): IRHKTHNDPE[Ser431Gly]ILKDDECTQT

ClinVar aggregate classification (germline): Uncertain significance (1 of 4 stars; one submission).

Conditions:
Bardet-Biedl syndrome (BBS). Identifiers: Orphanet 110, MedGen C0752166, MONDO:0015229.
McKusick-Kaufman syndrome (MKKS). Also called: HYDROMETROCOLPOS SYNDROME; HYDROMETROCOLPOS, POSTAXIAL POLYDACTYLY, AND CONGENITAL HEART MALFORMATION. Identifiers: Orphanet 2473, MedGen C0948368, MONDO:0009367, OMIM 236700.

Allele frequency attached by ClinVar (database versions not stated): gnomAD 0.00001; gnomAD exomes 0.00002 and 0.00004; TOPMed 0.00002.

Submission:

Labcorp Genetics (formerly Invitae), Labcorp
Classification: Uncertain significance for McKusick-Kaufman syndrome; Bardet-Biedl syndrome. Last evaluated: 2022-08-16. Review status: criteria provided, single submitter. Criteria: Invitae Variant Classification Sherloc (09022015). Collection method: clinical testing. Allele origin: germline.
Comment: This sequence change replaces serine, which is neutral and polar, with glycine, which is neutral and non-polar, at codon 431 of the MKKS protein (p.Ser431Gly). This variant is present in population databases (no rsID available, gnomAD 0.01%). This variant has not been reported in the literature in individuals affected with MKKS-related conditions. ClinVar contains an entry for this variant (Variation ID: 1058970). Algorithms developed to predict the effect of missense changes on protein structure and function output the following: SIFT: "Tolerated"; PolyPhen-2: "Benign"; Align-GVGD: "Class C0". The glycine amino acid residue is found in multiple mammalian species, which suggests that this missense change does not adversely affect protein function. In summary, the available evidence is currently insufficient to determine the role of this variant in disease. Therefore, it has been classified as a Variant of Uncertain Significance.